The following is an entry in ClinVar:

NM_003396.3(WNT9B):c.281G>A (p.Arg94Gln)

Genes: LRRC37A2 (leucine rich repeat containing 37 member A2), WNT9B (Wnt family member 9B; plus strand). Cytogenetic location: 17q21.32.
Variant type: single nucleotide variant.
Coding change: c.281G>A on transcript NM_003396.3 (MANE Select); coding-DNA position 281, G replaced by A.
Protein change: p.Arg94Gln; replaces arginine 94 with glutamine.
Molecular consequence: missense variant.
Genome position (GRCh38, 1-based): chr17:46,872,720, G>A. VCF-style: chr17-46872720-G-A. GRCh37 (hg19) VCF-style: chr17-44950086-G-A.
Other names: c.281G>A, p.Arg94Gln (NM_001320458.2); c.281G>A (NM_003396.2); short protein forms R94Q.
Identifiers: ClinVar variation 1623374 (VCV001623374.12), dbSNP rs75199851, ClinGen allele CA8620806.

ClinVar aggregate classification (germline): Benign. Review status: criteria provided, multiple submitters, no conflicts (2 of 4 stars). 3 submissions from 3 submitters: Benign (2). 1 of the submissions does not count toward it. Last evaluated 2025-10-31.

Conditions:
WNT9B-related disorder. Also called: WNT9B-related condition.

Allele frequency attached by ClinVar (database versions not stated): gnomAD exomes 0.00046 and 0.00115; ExAC 0.00148; 1000 Genomes Project 30x 0.00453; ESP Exome Variant Server 0.00462; gnomAD 0.00464 and 0.00493; 1000 Genomes Project 0.00499; TOPMed 0.00530.
gnomAD v4.1: 1,420 of 1,613,098 alleles (0.088%); highest among the groups gnomAD compares: African/African-American, 1.6%; 15 homozygotes.

Submissions (5):

Labcorp Genetics (formerly Invitae), Labcorp
Classification: Benign. Last evaluated: 2025-10-31. Review status: criteria provided, single submitter. Criteria: Invitae Variant Classification Sherloc (09022015). Collection method: clinical testing. Allele origin: germline.

Breakthrough Genomics
Classification: Benign. Review status: criteria provided, single submitter. Criteria: ACMG Guidelines, 2015. Collection method: not provided. Allele origin: germline. Inheritance: Unknown mechanism. Affected: yes.

PreventionGenetics, part of Exact Sciences
Classification: Benign for WNT9B-related condition. Last evaluated: 2019-07-16. Review status: no assertion criteria provided. Collection method: clinical testing. Allele origin: germline. Not counted in ClinVar's aggregate classification.
Comment: This variant is classified as benign based on ACMG/AMP sequence variant interpretation guidelines (Richards et al. 2015 PMID: 25741868, with internal and published modifications).

Dr. Peter K. Rogan Lab, Western University
No classification provided (evidence only). Condition: Lung cancer. Review status: no classification provided. Collection method: in vitro. Allele origin: not applicable. Functional consequence: retained intron. Not counted in ClinVar's aggregate classification.

Dr. Peter K. Rogan Lab, Western University
No classification provided (evidence only). Condition: Familial cancer of breast. Review status: no classification provided. Collection method: in vitro. Allele origin: not applicable. Functional consequence: retained intron. Not counted in ClinVar's aggregate classification.